The following is an entry in ClinVar:

NM_199242.3(UNC13D):c.1265C>T (p.Ser422Leu)

Gene: UNC13D (unc-13 homolog D; minus strand). Cytogenetic location: 17q25.1.
Variant type: single nucleotide variant.
Coding change: c.1265C>T on transcript NM_199242.3 (MANE Select); coding-DNA position 1265, C replaced by T.
Protein change: p.Ser422Leu; replaces serine 422 with leucine.
Molecular consequence: missense variant.
Genome position (GRCh38, 1-based): chr17:75,836,605, G>A on the plus strand (C>T on the coding strand, the complement: UNC13D is on the minus strand). VCF-style: chr17-75836605-G-A. GRCh37 (hg19) VCF-style: chr17-73832686-G-A.
Other names: short protein forms S422L.
Identifiers: ClinVar variation 2094708 (VCV002094708.2), dbSNP rs1271508204, ClinGen allele CA401100557.

ClinVar aggregate classification (germline): Uncertain significance. Review status: criteria provided, multiple submitters, no conflicts (2 of 4 stars). 2 submissions from 2 submitters: Uncertain significance (2). Last evaluated 2025-12-15.

Conditions:
Familial hemophagocytic lymphohistiocytosis 3 (FHL3). Also called: UNC13D-Related Familial Hemophagocytic Lymphohistiocytosis (UNC13D-fHLH). Identifiers: Orphanet 540, MedGen C1837174, MONDO:0012146, OMIM 608898.
Inborn genetic diseases. Identifiers: MedGen C0950123, MeSH D030342.

Allele frequency attached by ClinVar (database versions not stated): TOPMed below 0.00001; gnomAD 0.00001.
gnomAD v4.1: 7 of 1,613,720 alleles (0.00043%); highest among the groups gnomAD compares: Admixed American, 0.0017%; no homozygotes.

Submissions (2):

Ambry Genetics
Classification: Uncertain significance for Inborn genetic diseases. Last evaluated: 2025-12-15. Review status: criteria provided, single submitter. Criteria: Ambry Variant Classification Scheme 2023. Collection method: clinical testing. Allele origin: germline.

Labcorp Genetics (formerly Invitae), Labcorp
Classification: Uncertain significance for Familial hemophagocytic lymphohistiocytosis 3. Last evaluated: 2022-07-30. Review status: criteria provided, single submitter. Criteria: Invitae Variant Classification Sherloc (09022015). Collection method: clinical testing. Allele origin: germline.
Comment: This sequence change replaces serine, which is neutral and polar, with leucine, which is neutral and non-polar, at codon 422 of the UNC13D protein (p.Ser422Leu). This variant is present in population databases (no rsID available, gnomAD 0.003%). This variant has not been reported in the literature in individuals affected with UNC13D-related conditions. Algorithms developed to predict the effect of missense changes on protein structure and function are either unavailable or do not agree on the potential impact of this missense change (SIFT: "Not Available"; PolyPhen-2: "Benign"; Align-GVGD: "Not Available"). In summary, the available evidence is currently insufficient to determine the role of this variant in disease. Therefore, it has been classified as a Variant of Uncertain Significance.